The following is an entry in ClinVar:

ClinVar aggregate classification (germline): Likely benign. Review status: criteria provided, multiple submitters, no conflicts (2 of 4 stars). 4 submissions from 4 submitters: Likely benign (4). Last evaluated 2024-12-02.

Conditions:
Inborn genetic diseases. Identifiers: MedGen C0950123, MeSH D030342.
ARID1B-Related Disorder. Identifiers: MedGen CN381337.

Allele frequency attached by ClinVar (database versions not stated): 1000 Genomes Project 30x 0.00016.
gnomAD v4.1: 43 of 1,515,120 alleles (0.0028%); highest among the groups gnomAD compares: Admixed American, 0.0083%; no homozygotes.

Submissions (4):

Labcorp Genetics (formerly Invitae), Labcorp
Classification: Likely benign. Last evaluated: 2024-12-02. Review status: criteria provided, single submitter. Criteria: Invitae Variant Classification Sherloc (09022015). Collection method: clinical testing. Allele origin: germline.

PreventionGenetics, part of Exact Sciences
Classification: Likely benign for ARID1B-related condition. Last evaluated: 2024-11-09. Review status: criteria provided, single submitter. Criteria: ACMG Guidelines, 2015. Collection method: clinical testing. Allele origin: germline.
Comment: This variant is classified as likely benign based on ACMG/AMP sequence variant interpretation guidelines (Richards et al. 2015 PMID: 25741868, with internal and published modifications).

GeneDx
Classification: Likely benign. Last evaluated: 2021-04-24. Review status: criteria provided, single submitter. Criteria: GeneDx Variant Classification Process June 2021. Collection method: clinical testing. Allele origin: germline. Affected: yes.

Ambry Genetics
Classification: Likely benign for Inborn genetic diseases. Last evaluated: 2019-05-16. Review status: criteria provided, single submitter. Criteria: Ambry Variant Classification Scheme 2023. Collection method: clinical testing. Allele origin: germline.

NM_001374828.1(ARID1B):c.1095C>G (p.Pro365=)

Gene: ARID1B (AT-rich interaction domain 1B; plus strand). Cytogenetic location: 6q25.3.
Variant type: single nucleotide variant.
Coding change: c.1095C>G on transcript NM_001374828.1 (MANE Select); coding-DNA position 1095, C replaced by G.
Protein change: p.Pro365=; no amino-acid change (proline 365 retained).
Molecular consequence: synonymous variant.
Genome position (GRCh38, 1-based): chr6:156,778,775, C>G. VCF-style: chr6-156778775-C-G. GRCh37 (hg19) VCF-style: chr6-157099909-C-G.
Other names: c.846C>G (NM_020732.3); c.1095C>G, p.Pro365= (NM_001371656.1, NM_001374820.1, NM_017519.3).
Identifiers: ClinVar variation 1179253 (VCV001179253.10), dbSNP rs971859263, ClinGen allele CA150802756.